The following is an entry in ClinVar:

ClinVar aggregate classification (germline): Uncertain significance (1 of 4 stars; one submission).

Submission:

Labcorp Genetics (formerly Invitae), Labcorp
Classification: Uncertain significance. Last evaluated: 2025-08-22. Review status: criteria provided, single submitter. Criteria: Invitae Variant Classification Sherloc (09022015). Collection method: clinical testing. Allele origin: germline.
Comment: This sequence change replaces isoleucine, which is neutral and non-polar, with leucine, which is neutral and non-polar, at codon 221 of the ANKZF1 protein (p.Ile221Leu). This variant is not present in population databases (gnomAD no frequency). This variant has not been reported in the literature in individuals affected with ANKZF1-related conditions. An algorithm developed to predict the effect of missense changes on protein structure and function (PolyPhen-2) suggests that this variant is likely to be tolerated. In summary, the available evidence is currently insufficient to determine the role of this variant in disease. Therefore, it has been classified as a Variant of Uncertain Significance.

NM_018089.3(ANKZF1):c.661A>C (p.Ile221Leu)

Gene: ANKZF1 (ankyrin repeat and zinc finger peptidyl tRNA hydrolase 1; plus strand). Cytogenetic location: 2q35.
Variant type: single nucleotide variant.
Coding change: c.661A>C on transcript NM_018089.3 (MANE Select); coding-DNA position 661, A replaced by C.
Protein change: p.Ile221Leu; replaces isoleucine 221 with leucine.
Molecular consequence: missense variant.
Genome position (GRCh38, 1-based): chr2:219,233,181, A>C. VCF-style: chr2-219233181-A-C. GRCh37 (hg19) VCF-style: chr2-220097903-A-C.
Other names: c.661A>C, p.Ile221Leu (NM_001042410.2); c.31A>C, p.Ile11Leu (NM_001282792.2); short protein forms I11L, I221L.
Identifiers: ClinVar variation 4725877 (VCV004725877.1).